The following is an entry in ClinVar:

ClinVar aggregate classification (germline): Uncertain significance (1 of 4 stars; one submission).

Conditions:
Intellectual developmental disorder with speech delay, autism, and dysmorphic facies. Identifiers: MedGen C5231456, MONDO:0032864, OMIM 618672.

Submission:

Laboratorio de Genetica e Diagnostico Molecular, Hospital Israelita Albert Einstein
Classification: Uncertain significance for Intellectual developmental disorder with speech delay, autism, and dysmorphic facies. Last evaluated: 2023-07-24. Review status: criteria provided, single submitter. Criteria: ACMG Guidelines, 2015. Collection method: clinical testing. Allele origin: germline. Affected: yes.
Comment: ACMG classification criteria: PM2 moderate

NM_014516.4(CNOT3):c.168+8G>A

Gene: CNOT3 (CCR4-NOT transcription complex subunit 3; plus strand). Cytogenetic location: 19q13.42.
Variant type: single nucleotide variant.
Coding change: c.168+8G>A on transcript NM_014516.4 (MANE Select); 8 bases into the intron after coding-DNA position 168, G replaced by A.
Molecular consequence: intron variant.
Genome position (GRCh38, 1-based): chr19:54,143,524, G>A. VCF-style: chr19-54143524-G-A. GRCh37 (hg19) VCF-style: chr19-54647260-G-A.
Identifiers: ClinVar variation 3901911 (VCV003901911.1).